The following is an entry in ClinVar:

NM_001291088.2(WDR87):c.5282A>T (p.Glu1761Val)

Gene: WDR87 (WD repeat domain 87; minus strand). Cytogenetic location: 19q13.13.
Variant type: single nucleotide variant.
Coding change: c.5282A>T on transcript NM_001291088.2 (MANE Select); coding-DNA position 5282, A replaced by T.
Protein change: p.Glu1761Val; replaces glutamic acid 1761 with valine.
Molecular consequence: missense variant.
Genome position (GRCh38, 1-based): chr19:37,888,389, T>A on the plus strand (A>T on the coding strand, the complement: WDR87 is on the minus strand). VCF-style: chr19-37888389-T-A. GRCh37 (hg19) VCF-style: chr19-38379029-T-A.
Other names: c.5165A>T, p.Glu1722Val (NM_031951.5); short protein forms E1722V, E1761V.
Identifiers: ClinVar variation 1686382 (VCV001686382.4), dbSNP rs917453243, ClinGen allele CA308021449.

ClinVar aggregate classification (germline): Conflicting classifications of pathogenicity. Review status: criteria provided, conflicting classifications (1 of 4 stars). 2 submissions from 2 submitters: Uncertain significance (1); Benign (1). Last evaluated 2025-05-16.

Allele frequency attached by ClinVar (database versions not stated): gnomAD 0.00001 and 0.00004; gnomAD exomes 0.00001; TOPMed 0.00001.

Submissions (2):

Labcorp Genetics (formerly Invitae), Labcorp
Classification: Uncertain significance. Last evaluated: 2025-05-16. Review status: criteria provided, single submitter. Criteria: Invitae Variant Classification Sherloc (09022015). Collection method: clinical testing. Allele origin: germline.
Comment: This sequence change replaces glutamic acid, which is acidic and polar, with valine, which is neutral and non-polar, at codon 1722 of the WDR87 protein (p.Glu1722Val). This variant is not present in population databases (gnomAD no frequency). This variant has not been reported in the literature in individuals affected with WDR87-related conditions. ClinVar contains an entry for this variant (Variation ID: 1686382). An algorithm developed to predict the effect of missense changes on protein structure and function outputs the following: PolyPhen-2: "Benign". The valine amino acid residue is found in multiple mammalian species, which suggests that this missense change does not adversely affect protein function. In summary, the available evidence is currently insufficient to determine the role of this variant in disease. Therefore, it has been classified as a Variant of Uncertain Significance.

Mendelics
Classification: Benign. Last evaluated: 2022-05-04. Review status: criteria provided, single submitter. Criteria: Mendelics Assertion Criteria 2019. Collection method: clinical testing. Allele origin: germline.